The following is an entry in ClinVar:

NM_001190274.2(FBXO11):c.1208G>A (p.Cys403Tyr)

Gene: FBXO11 (F-box protein 11; minus strand). Cytogenetic location: 2p16.3.
Variant type: single nucleotide variant.
Coding change: c.1208G>A on transcript NM_001190274.2 (MANE Select); coding-DNA position 1208, G replaced by A.
Protein change: p.Cys403Tyr; replaces cysteine 403 with tyrosine.
Molecular consequence: missense variant.
Genome position (GRCh38, 1-based): chr2:47,832,624, C>T on the plus strand (G>A on the coding strand, the complement: FBXO11 is on the minus strand). VCF-style: chr2-47832624-C-T. GRCh37 (hg19) VCF-style: chr2-48059763-C-T.
Other names: c.956G>A, p.Cys319Tyr (NM_001374325.1, NM_025133.4); short protein forms C319Y, C403Y.
Identifiers: ClinVar variation 1800990 (VCV001800990.1), dbSNP rs2531191138, ClinGen allele CA346765610.
Genomic context (GRCh38, chr2:47,832,624, plus strand): 5'-AAAAATACCTGTGCATGATCTGTTATATATAGTCCAACATTTTCACAGTCACTGATGTTA[C>T]AGTGCTTGATGGTGGGACATGCTCCTTGACCACTAACACATACTGCAGAACCAACTGTAG-3'
Protein context (NP_001177203.1, residues 393-413): GQGACPTIKH[Cys403Tyr]NISDCENVGL

ClinVar aggregate classification (germline): Uncertain significance (1 of 4 stars; one submission).

Submission:

GeneDx
Classification: Uncertain significance. Last evaluated: 2022-05-26. Review status: criteria provided, single submitter. Criteria: GeneDx Variant Classification Process June 2021. Collection method: clinical testing. Allele origin: germline. Affected: yes.
Comment: Not observed at significant frequency in large population cohorts (gnomAD); In silico analysis supports that this missense variant has a deleterious effect on protein structure/function; Has not been previously published as pathogenic or benign to our knowledge